The following is an entry in ClinVar:

NM_001018115.3(FANCD2):c.187G>A (p.Glu63Lys)

Genes: FANCD2 (FA complementation group D2; plus strand), LOC107303338 (3p25 FANCD2 Alu-mediated recombination region; plus strand). Cytogenetic location: 3p25.3.
Variant type: single nucleotide variant.
Coding change: c.187G>A on transcript NM_001018115.3 (MANE Select); coding-DNA position 187, G replaced by A.
Protein change: p.Glu63Lys; replaces glutamic acid 63 with lysine.
Molecular consequence: missense variant.
Genome position (GRCh38, 1-based): chr3:10,032,954, G>A. VCF-style: chr3-10032954-G-A. GRCh37 (hg19) VCF-style: chr3-10074638-G-A.
Other names: c.187G>A, p.Glu63Lys (NM_001319984.2, NM_001374253.1, NM_001374254.1 and 2 more transcripts); short protein forms E63K.
Identifiers: ClinVar variation 1719215 (VCV001719215.3), dbSNP rs2470709527, ClinGen allele CA351718955.

ClinVar aggregate classification (germline): Uncertain significance (1 of 4 stars; one submission).

Conditions:
Fanconi anemia (FA). Also called: Fanconi's anemia. Identifiers: Orphanet 84, MedGen C0015625, MeSH D005199, MONDO:0019391.

Submission:

Labcorp Genetics (formerly Invitae), Labcorp
Classification: Uncertain significance for Fanconi anemia. Last evaluated: 2022-09-10. Review status: criteria provided, single submitter. Criteria: Invitae Variant Classification Sherloc (09022015). Collection method: clinical testing. Allele origin: germline.
Comment: This sequence change replaces glutamic acid, which is acidic and polar, with lysine, which is basic and polar, at codon 63 of the FANCD2 protein (p.Glu63Lys). This variant is not present in population databases (gnomAD no frequency). This variant has not been reported in the literature in individuals affected with FANCD2-related conditions. Advanced modeling of protein sequence and biophysical properties (such as structural, functional, and spatial information, amino acid conservation, physicochemical variation, residue mobility, and thermodynamic stability) performed at Invitae indicates that this missense variant is not expected to disrupt FANCD2 protein function. In summary, the available evidence is currently insufficient to determine the role of this variant in disease. Therefore, it has been classified as a Variant of Uncertain Significance.